The following is an entry in ClinVar:

NM_012120.3(CD2AP):c.1045+34T>C

Gene: CD2AP (CD2 associated protein; plus strand). Cytogenetic location: 6p12.3.
Variant type: single nucleotide variant.
Coding change: c.1045+34T>C on transcript NM_012120.3 (MANE Select); 34 bases into the intron after coding-DNA position 1045, T replaced by C.
Molecular consequence: intron variant.
Genome position (GRCh38, 1-based): chr6:47,580,934, T>C. VCF-style: chr6-47580934-T-C. GRCh37 (hg19) VCF-style: chr6-47548670-T-C.
Identifiers: ClinVar variation 977113 (VCV000977113.2), dbSNP rs1768461384, ClinGen allele CA1139659566.

ClinVar aggregate classification (germline): drug response (0 of 4 stars; one submission).

Conditions:
Corticosteroids response. Also called: Corticosteroid response.

Submission:

Genetic Testing Lab, Ashok and Rita Patel Institute of Integrated Study and Research in Biotechnology and Allied Sciences
Classification: drug response for Corticosteroid response. Last evaluated: 2020-01-12. Review status: no assertion criteria provided. Collection method: research. Allele origin: somatic. Affected: yes. Observed: 27 variant alleles.
Comment: Depending upon patients response to standard corticosteroids therapy, they were classified to be either Steroid resistance(SRNS) or steroid sensitive(SSNS)